The following is an entry in ClinVar:

NM_005271.5(GLUD1):c.1557+12G>A

Gene: GLUD1 (glutamate dehydrogenase 1; minus strand). Cytogenetic location: 10q23.2.
Variant type: single nucleotide variant.
Coding change: c.1557+12G>A on transcript NM_005271.5 (MANE Select); 12 bases into the intron after coding-DNA position 1557, G replaced by A.
Molecular consequence: intron variant.
Genome position (GRCh38, 1-based): chr10:87,053,330, C>T on the plus strand (G>A on the coding strand, the complement: GLUD1 is on the minus strand). VCF-style: chr10-87053330-C-T. GRCh37 (hg19) VCF-style: chr10-88813087-C-T.
Other names: p.?; c.1056+12G>A (NM_001318906.2, NM_001318904.2, NM_001318905.2 and 2 more transcripts); c.1158+12G>A (NM_001318900.1).
Identifiers: ClinVar variation 301390 (VCV000301390.13), dbSNP rs201872390, ClinGen allele CA5587387.

ClinVar aggregate classification (germline): Conflicting classifications of pathogenicity. Review status: criteria provided, conflicting classifications (1 of 4 stars). 3 submissions from 3 submitters: Uncertain significance (1); Likely benign (2). Last evaluated 2025-09-29.

Conditions:
Hyperinsulinism-hyperammonemia syndrome (HHF6). Identifiers: Orphanet 35878, MedGen C1847555, MONDO:0011717, OMIM 606762.

Allele frequency attached by ClinVar (database versions not stated): ESP Exome Variant Server 0.00008; TOPMed 0.00009.
gnomAD v4.1: 157 of 1,594,932 alleles (0.0098%); highest among the groups gnomAD compares: Middle Eastern, 0.18%; no homozygotes.

Submissions (3):

Mayo Clinic Laboratories, Mayo Clinic
Classification: Likely benign. Last evaluated: 2025-09-29. Review status: criteria provided, single submitter. Criteria: ACMG Guidelines, 2015. Collection method: clinical testing. Allele origin: germline. Observed: 1 variant allele.
Comment: BP4, BP7

Labcorp Genetics (formerly Invitae), Labcorp
Classification: Likely benign for Hyperinsulinism-hyperammonemia syndrome. Last evaluated: 2025-03-31. Review status: criteria provided, single submitter. Criteria: Invitae Variant Classification Sherloc (09022015). Collection method: clinical testing. Allele origin: germline.

Illumina Laboratory Services, Illumina
Classification: Uncertain significance for Hyperinsulinism-hyperammonemia syndrome. Last evaluated: 2018-01-13. Review status: criteria provided, single submitter. Criteria: ICSL Variant Classification Criteria 13 December 2019. Collection method: clinical testing. Allele origin: germline.